The following is an entry in ClinVar:

NM_001378454.1(ALMS1):c.8861A>G (p.Asp2954Gly)

Gene: ALMS1 (ALMS1 centrosome and basal body associated protein; plus strand). Cytogenetic location: 2p13.1.
Variant type: single nucleotide variant.
Coding change: c.8861A>G on transcript NM_001378454.1 (MANE Select); coding-DNA position 8861, A replaced by G.
Protein change: p.Asp2954Gly; replaces aspartic acid 2954 with glycine.
Molecular consequence: missense variant.
Genome position (GRCh38, 1-based): chr2:73,490,820, A>G. VCF-style: chr2-73490820-A-G. GRCh37 (hg19) VCF-style: chr2-73717947-A-G.
Other names: c.8864A>G, p.Asp2955Gly (NM_015120.4); short protein forms D2954G, D2955G.
Identifiers: ClinVar variation 1482511 (VCV001482511.7), dbSNP rs751940353, ClinGen allele CA1714559.

ClinVar aggregate classification (germline): Uncertain significance. Review status: criteria provided, multiple submitters, no conflicts (2 of 4 stars). 4 submissions from 4 submitters: Uncertain significance (4). Last evaluated 2024-09-02.

Conditions:
Cardiovascular phenotype. Identifiers: MedGen CN230736.
Alstrom syndrome (ALMS). Identifiers: Orphanet 64, MedGen C0268425, MONDO:0008763, OMIM 203800.

Allele frequency attached by ClinVar (database versions not stated): ExAC 0.00001; gnomAD 0.00001 and 0.00002; gnomAD exomes 0.00001; TOPMed 0.00001.
gnomAD v4.1: 11 of 1,613,926 alleles (0.00068%); highest among the groups gnomAD compares: Middle Eastern, 0.033%; no homozygotes.

Submissions (4):

Blueprint Genetics
Classification: Uncertain significance. Last evaluated: 2024-09-02. Review status: criteria provided, single submitter. Criteria: ACMG Guidelines, 2015. Collection method: clinical testing. Allele origin: germline.

Ambry Genetics
Classification: Uncertain significance for Cardiovascular phenotype. Last evaluated: 2023-07-22. Review status: criteria provided, single submitter. Criteria: Ambry Variant Classification Scheme 2023. Collection method: clinical testing. Allele origin: germline.
Comment: The p.D2955G variant (also known as c.8864A>G), located in coding exon 10 of the ALMS1 gene, results from an A to G substitution at nucleotide position 8864. The aspartic acid at codon 2955 is replaced by glycine, an amino acid with similar properties. This alteration has been reported in a cohort of subjects with features of Alstrom syndrome (Ozant&uuml;rk A et al. J Hum Genet, 2015 Jan;60:1-9). This amino acid position is not well conserved in available vertebrate species. In addition, this alteration is predicted to be tolerated by in silico analysis. Since supporting evidence is limited at this time, the clinical significance of this alteration remains unclear.

Labcorp Genetics (formerly Invitae), Labcorp
Classification: Uncertain significance for Alstrom syndrome. Last evaluated: 2022-07-25. Review status: criteria provided, single submitter. Criteria: Invitae Variant Classification Sherloc (09022015). Collection method: clinical testing. Allele origin: germline.
Comment: This sequence change replaces aspartic acid, which is acidic and polar, with glycine, which is neutral and non-polar, at codon 2955 of the ALMS1 protein (p.Asp2955Gly). This variant is present in population databases (rs751940353, gnomAD 0.004%). This variant has not been reported in the literature in individuals affected with ALMS1-related conditions. ClinVar contains an entry for this variant (Variation ID: 1482511). Experimental studies and prediction algorithms are not available or were not evaluated, and the functional significance of this variant is currently unknown. In summary, the available evidence is currently insufficient to determine the role of this variant in disease. Therefore, it has been classified as a Variant of Uncertain Significance.

Fulgent Genetics
Classification: Uncertain significance for Alstrom syndrome. Last evaluated: 2022-03-04. Review status: criteria provided, single submitter. Criteria: ACMG Guidelines, 2015. Collection method: clinical testing. Allele origin: unknown.

Literature cited by the submitters: PubMed 25296579 (cited by Ambry Genetics).